The following is an entry in ClinVar:

NM_000188.3(HK1):c.2175C>T (p.Tyr725=)

Gene: HK1 (hexokinase 1; plus strand). Cytogenetic location: 10q22.1.
Variant type: single nucleotide variant.
Coding change: c.2175C>T on transcript NM_000188.3 (MANE Select); coding-DNA position 2175, C replaced by T.
Protein change: p.Tyr725=; no amino-acid change (tyrosine 725 retained).
Molecular consequence: synonymous variant.
Genome position (GRCh38, 1-based): chr10:69,392,264, C>T. VCF-style: chr10-69392264-C-T. GRCh37 (hg19) VCF-style: chr10-71152020-C-T.
Other names: c.2187C>T, p.Tyr729= (NM_001322364.2, NM_001358263.1, NM_033497.3 and 1 more transcripts); c.2280C>T, p.Tyr760= (NM_001322365.2); c.2091C>T, p.Tyr697= (NM_001322366.1); c.2079C>T, p.Tyr693= (NM_001322367.1); c.2172C>T, p.Tyr724= (NM_033496.3); c.2139C>T, p.Tyr713= (NM_033500.2); c.2175C>T (NM_000188.2).
Identifiers: ClinVar variation 1559055 (VCV001559055.9), dbSNP rs138698348, ClinGen allele CA5532788.
Genomic context (GRCh38, chr10:69,392,264, plus strand): 5'-CAACATGGAGTGGGGGGCCTTTGGGGACAACGGGTGTCTGGATGATATCAGGACACACTA[C>T]GACAGACTGGTGGACGAATATTCCCTAAATGCTGGGAAACAAAGGTAACCCCGCCTGGTG-3'
Protein context (NP_000179.2, residues 715-735): NGCLDDIRTH[Tyr725=]DRLVDEYSLN

ClinVar aggregate classification (germline): Likely benign. Review status: criteria provided, multiple submitters, no conflicts (2 of 4 stars). 2 submissions from 2 submitters: Likely benign (2). Last evaluated 2025-04-23.

Conditions:
HK1-related disorder. Also called: HK1-related condition; HK1-related disorders.

Allele frequency attached by ClinVar (database versions not stated): gnomAD exomes 0.00001 and 0.00003; ExAC 0.00003; gnomAD 0.00003; TOPMed 0.00003; ESP Exome Variant Server 0.00015.
gnomAD v4.1: 16 of 1,614,048 alleles (0.00099%); highest among the groups gnomAD compares: Admixed American, 0.0067%; no homozygotes.

Submissions (2):

PreventionGenetics, part of Exact Sciences
Classification: Likely benign for HK1-related condition. Last evaluated: 2025-04-23. Review status: criteria provided, single submitter. Criteria: ACMG Guidelines, 2015. Collection method: clinical testing. Allele origin: germline.
Comment: This variant is classified as likely benign based on ACMG/AMP sequence variant interpretation guidelines (Richards et al. 2015 PMID: 25741868, with internal and published modifications).

Labcorp Genetics (formerly Invitae), Labcorp
Classification: Likely benign. Last evaluated: 2021-09-15. Review status: criteria provided, single submitter. Criteria: Invitae Variant Classification Sherloc (09022015). Collection method: clinical testing. Allele origin: germline.